The following is an entry in ClinVar:

NM_002474.3(MYH11):c.1443G>A (p.Glu481=)

Gene: MYH11 (myosin heavy chain 11; minus strand). Cytogenetic location: 16p13.11.
Variant type: single nucleotide variant.
Coding change: c.1443G>A on transcript NM_002474.3 (MANE Select); coding-DNA position 1443, G replaced by A.
Protein change: p.Glu481=; no amino-acid change (glutamic acid 481 retained).
Molecular consequence: synonymous variant.
Genome position (GRCh38, 1-based): chr16:15,757,959, C>T on the plus strand (G>A on the coding strand, the complement: MYH11 is on the minus strand). VCF-style: chr16-15757959-C-T. GRCh37 (hg19) VCF-style: chr16-15851816-C-T.
Other names: c.1464G>A, p.Glu488= (NM_001040113.2, NM_001040114.2); c.1443G>A, p.Glu481= (NM_022844.3).
Identifiers: ClinVar variation 3387238 (VCV003387238.1).

ClinVar aggregate classification (germline): Likely benign (1 of 4 stars; one submission).

Conditions:
Familial thoracic aortic aneurysm and aortic dissection (TAAD). Also called: Thoracic aortic aneurysms and dissections. Identifiers: Orphanet 91387, MedGen C4707243, MONDO:0019625.

gnomAD v4.1: 6 of 1,614,216 alleles (0.00037%); highest among the groups gnomAD compares: Non-Finnish European, 0.00051%; no homozygotes.

Submission:

All of Us Research Program, National Institutes of Health
Classification: Likely benign for Familial thoracic aortic aneurysm and aortic dissection. Last evaluated: 2024-03-24. Review status: criteria provided, single submitter. Criteria: ACMG Guidelines, 2015. Collection method: clinical testing. Allele origin: germline. Inheritance: Autosomal dominant inheritance. Observed: 1 variant allele, 1 heterozygote.
Comment: This study involves interpretation of variants in research participants for the purpose of population health screening. Participant phenotype was not available at the time of variant classification. Additional details can be found in publication PMID: 35346344, PMCID: PMC8962531